The following is an entry in ClinVar:

ClinVar aggregate classification (germline): Uncertain significance. Review status: criteria provided, multiple submitters, no conflicts (2 of 4 stars). 6 submissions from 6 submitters: Uncertain significance (6). Last evaluated 2025-05-23.

Conditions:
GORAB-related disorder. Also called: GORAB-related condition.
Inborn genetic diseases. Identifiers: MedGen C0950123, MeSH D030342.
Geroderma osteodysplastica (GO). Also called: WALT DISNEY DWARFISM; Geroderma osteodysplasticum. Identifiers: Orphanet 2078, MedGen C0432255, MONDO:0009271, OMIM 231070.

Allele frequency attached by ClinVar (database versions not stated): gnomAD exomes 0.00029 and 0.00041; ExAC 0.00030; gnomAD 0.00036; TOPMed 0.00038; ESP Exome Variant Server 0.00046.

Submissions (6):

Ambry Genetics
Classification: Uncertain significance for Inborn genetic diseases. Last evaluated: 2025-05-23. Review status: criteria provided, single submitter. Criteria: Ambry Variant Classification Scheme 2023. Collection method: clinical testing. Allele origin: germline.

PreventionGenetics, part of Exact Sciences
Classification: Uncertain significance for GORAB-related condition. Last evaluated: 2023-08-28. Review status: criteria provided, single submitter. Criteria: ACMG Guidelines, 2015. Collection method: clinical testing. Allele origin: germline.
Comment: The GORAB c.700C>T variant is predicted to result in the amino acid substitution p.Arg234Trp. To our knowledge, this variant has not been reported in the literature. This variant is reported in 0.050% of alleles in individuals of European (Non-Finnish) descent in gnomAD. Although we suspect that this variant may be benign, at this time, the clinical significance of this variant is uncertain due to the absence of conclusive functional and genetic evidence.

Genome-Nilou Lab
Classification: Uncertain significance for Geroderma osteodysplastica. Last evaluated: 2023-04-11. Review status: criteria provided, single submitter. Criteria: ACMG Guidelines, 2015. Collection method: clinical testing. Allele origin: germline. Affected: no.

Labcorp Genetics (formerly Invitae), Labcorp
Classification: Uncertain significance. Last evaluated: 2022-10-17. Review status: criteria provided, single submitter. Criteria: Invitae Variant Classification Sherloc (09022015). Collection method: clinical testing. Allele origin: germline.
Comment: This sequence change replaces arginine, which is basic and polar, with tryptophan, which is neutral and slightly polar, at codon 234 of the GORAB protein (p.Arg234Trp). This variant is present in population databases (rs138502097, gnomAD 0.06%). This variant has not been reported in the literature in individuals affected with GORAB-related conditions. ClinVar contains an entry for this variant (Variation ID: 288166). Algorithms developed to predict the effect of missense changes on protein structure and function (SIFT, PolyPhen-2, Align-GVGD) all suggest that this variant is likely to be disruptive. In summary, the available evidence is currently insufficient to determine the role of this variant in disease. Therefore, it has been classified as a Variant of Uncertain Significance.

Illumina Laboratory Services, Illumina
Classification: Uncertain significance for Geroderma osteodysplastica. Last evaluated: 2018-01-12. Review status: criteria provided, single submitter. Criteria: ICSL Variant Classification Criteria 13 December 2019. Collection method: clinical testing. Allele origin: germline.

Eurofins Ntd Llc (ga)
Classification: Uncertain significance. Last evaluated: 2016-07-01. Review status: criteria provided, single submitter. Criteria: EGL Classification Definitions 2015. Collection method: clinical testing. Allele origin: germline. Observed: 1 variant allele, 1 heterozygote.

NM_152281.3(GORAB):c.625C>T (p.Arg209Trp)

Gene: GORAB (golgin, RAB6 interacting; plus strand). Cytogenetic location: 1q24.2.
Variant type: single nucleotide variant.
Coding change: c.625C>T on transcript NM_152281.3 (MANE Select); coding-DNA position 625, C replaced by T.
Protein change: p.Arg209Trp; replaces arginine 209 with tryptophan.
Molecular consequence: missense variant. On other transcripts: non-coding transcript variant (1).
Genome position (GRCh38, 1-based): chr1:170,544,808, C>T. VCF-style: chr1-170544808-C-T. GRCh37 (hg19) VCF-style: chr1-170513949-C-T.
Other names: c.625C>T, p.Arg209Trp (NM_001146039.2); c.160C>T, p.Arg54Trp (NM_001320252.2); short protein forms R234W, R54W, R209W.
Identifiers: ClinVar variation 288166 (VCV000288166.15), dbSNP rs138502097, ClinGen allele CA1239184.